The following is an entry in ClinVar:

NM_000535.7(PMS2):c.2434T>C (p.Cys812Arg)

Gene: PMS2 (PMS1 homolog 2, mismatch repair system component; minus strand). Cytogenetic location: 7p22.1.
Variant type: single nucleotide variant.
Coding change: c.2434T>C on transcript NM_000535.7 (MANE Select); coding-DNA position 2434, T replaced by C.
Protein change: p.Cys812Arg; replaces cysteine 812 with arginine.
Molecular consequence: missense variant. On other transcripts: non-coding transcript variant (1).
Genome position (GRCh38, 1-based): chr7:5,977,599, A>G on the plus strand (T>C on the coding strand, the complement: PMS2 is on the minus strand). VCF-style: chr7-5977599-A-G. GRCh37 (hg19) VCF-style: chr7-6017230-A-G.
Other names: c.2029T>C, p.Cys677Arg (NM_001322003.2, NM_001322004.2, NM_001322005.2 and 11 more transcripts); c.2278T>C, p.Cys760Arg (NM_001322006.2); c.2116T>C, p.Cys706Arg (NM_001322007.2, NM_001322008.2, NM_001406883.1); c.2062T>C, p.Cys688Arg (NM_001322009.2, NM_001406887.1, NM_001406888.1); c.1873T>C, p.Cys625Arg (NM_001322010.2, NM_001406906.1, NM_001406907.1); c.1501T>C, p.Cys501Arg (NM_001322011.2, NM_001322012.2); c.1861T>C, p.Cys621Arg (NM_001322013.2, NM_001406908.1, NM_001406909.1); c.2467T>C, p.Cys823Arg (NM_001322014.2); and 20 more; short protein forms C501R, C555R, C573R, C657R, C717R, C771R, C621R, C688R.
Identifiers: ClinVar variation 3661324 (VCV003661324.3).

ClinVar aggregate classification (germline): Uncertain significance. Review status: criteria provided, multiple submitters, no conflicts (2 of 4 stars). 2 submissions from 2 submitters: Uncertain significance (2). Last evaluated 2024-12-20.

Conditions:
Hereditary nonpolyposis colorectal neoplasms. Identifiers: MedGen C0009405, MeSH D003123.
Hereditary cancer-predisposing syndrome. Also called: Hereditary Cancer Syndrome; Tumor predisposition; Hereditary neoplastic syndrome; Neoplastic Syndromes, Hereditary. Identifiers: Orphanet 140162, MedGen C0027672, MeSH D009386, MONDO:0015356.

Submissions (2):

Ambry Genetics
Classification: Uncertain significance for Hereditary cancer-predisposing syndrome. Last evaluated: 2024-12-20. Review status: criteria provided, single submitter. Criteria: Ambry Variant Classification Scheme 2023. Collection method: clinical testing. Allele origin: germline.
Comment: The p.C812R variant (also known as c.2434T>C), located in coding exon 14 of the PMS2 gene, results from a T to C substitution at nucleotide position 2434. The cysteine at codon 812 is replaced by arginine, an amino acid with highly dissimilar properties. This amino acid position is conserved. In addition, this alteration is predicted to be deleterious by in silico analysis. Based on the available evidence, the clinical significance of this variant remains unclear.

Labcorp Genetics (formerly Invitae), Labcorp
Classification: Uncertain significance for Hereditary nonpolyposis colorectal neoplasms. Last evaluated: 2024-08-04. Review status: criteria provided, single submitter. Criteria: Invitae Variant Classification Sherloc (09022015). Collection method: clinical testing. Allele origin: germline.
Comment: This sequence change replaces cysteine, which is neutral and slightly polar, with arginine, which is basic and polar, at codon 812 of the PMS2 protein (p.Cys812Arg). The frequency data for this variant in the population databases (gnomAD) is considered unreliable due to the presence of homologous sequence, such as pseudogenes or paralogs, in the genome. This variant has not been reported in the literature in individuals affected with PMS2-related conditions. Invitae Evidence Modeling of protein sequence and biophysical properties (such as structural, functional, and spatial information, amino acid conservation, physicochemical variation, residue mobility, and thermodynamic stability) indicates that this missense variant is expected to disrupt PMS2 protein function with a positive predictive value of 80%. In summary, the available evidence is currently insufficient to determine the role of this variant in disease. Therefore, it has been classified as a Variant of Uncertain Significance.